The following is an entry in ClinVar:

ClinVar aggregate classification (germline): Uncertain significance (1 of 4 stars; one submission).

Submission:

Labcorp Genetics (formerly Invitae), Labcorp
Classification: Uncertain significance. Last evaluated: 2023-08-24. Review status: criteria provided, single submitter. Criteria: Invitae Variant Classification Sherloc (09022015). Collection method: clinical testing. Allele origin: unknown.
Comment: In summary, the available evidence is currently insufficient to determine the role of this variant in disease. Therefore, it has been classified as a Variant of Uncertain Significance. A similar copy number variant has been observed in individual(s) with clinical features of TBX4-related conditions (Inviate). Experimental studies and prediction algorithms are not available or were not evaluated, and the functional significance of this variant is currently unknown. This variant is a gross deletion of the genomic region encompassing exon(s) 3 of the TBX4 gene. This variant would be expected to be in-frame, preserving the integrity of the reading frame.

NC_000017.10:g.(?_59543160)_(59543319_?)del

Gene: TBX4 (T-box transcription factor 4; plus strand). Cytogenetic location: 17q23.2.
Variant type: Deletion.
Identifiers: ClinVar variation 3243197 (VCV003243197.1).